The following is an entry in ClinVar:

NM_015272.5(RPGRIP1L):c.2399A>C (p.Asn800Thr)

Gene: RPGRIP1L (RPGRIP1 like; minus strand). Cytogenetic location: 16q12.2.
Variant type: single nucleotide variant.
Coding change: c.2399A>C on transcript NM_015272.5 (MANE Select); coding-DNA position 2399, A replaced by C.
Protein change: p.Asn800Thr; replaces asparagine 800 with threonine.
Molecular consequence: missense variant.
Genome position (GRCh38, 1-based): chr16:53,645,909, T>G on the plus strand (A>C on the coding strand, the complement: RPGRIP1L is on the minus strand). VCF-style: chr16-53645909-T-G. GRCh37 (hg19) VCF-style: chr16-53679821-T-G.
Other names: c.2399A>C, p.Asn800Thr (NM_001127897.4, NM_001308334.3, NM_001330538.2); c.2399A>C (NM_015272.4); short protein forms N800T.
Identifiers: ClinVar variation 659168 (VCV000659168.24), dbSNP rs147734438, ClinGen allele CA8057551.

ClinVar aggregate classification (germline): Conflicting classifications of pathogenicity. Review status: criteria provided, conflicting classifications (1 of 4 stars). 11 submissions from 9 submitters: Uncertain significance (9); Likely benign (1). 1 of the submissions does not count toward it. Last evaluated 2026-08-10.

Conditions:
Inborn genetic diseases. Identifiers: MedGen C0950123, MeSH D030342.
Meckel syndrome, type 5 (MKS5). Identifiers: Orphanet 564, MedGen C1969052, MONDO:0012695, OMIM 611561.
COACH syndrome 3. Identifiers: MedGen C5436841, MONDO:0030862, OMIM 619113.
Joubert syndrome 7 (JBTS7). Identifiers: Orphanet 220497, MedGen C1969053, MONDO:0012694, OMIM 611560.
Joubert syndrome. Also called: Familial aplasia of the vermis; JOUBERT-BOLTSHAUSER SYNDROME. Identifiers: Orphanet 475, MedGen C5979921, MONDO:0018772.
RPGRIP1L-related disorder. Also called: RPGRIP1L-related disorders; RPGRIP1L-related condition. Identifiers: MedGen CN239416.
Meckel-Gruber syndrome. Also called: DYSENCEPHALIA SPLANCHNOCYSTICA; GRUBER SYNDROME; Dysencephalia splachnocystica. Identifiers: Orphanet 564, MedGen C0265215, MONDO:0018921.
Joubert syndrome and related disorders. Identifiers: Orphanet 140874, MedGen C5679612, MONDO:0015369.
Nephronophthisis 8. Identifiers: MedGen CN119610.

Allele frequency attached by ClinVar (database versions not stated): 1000 Genomes Project 0.00020; ExAC 0.00020; gnomAD 0.00024 and 0.00026; TOPMed 0.00026; 1000 Genomes Project 30x 0.00031; ESP Exome Variant Server 0.00054.
gnomAD v4.1: 505 of 1,614,158 alleles (0.031%); highest among the groups gnomAD compares: Non-Finnish European, 0.039%; no homozygotes.

Submissions (11):

PreventionGenetics, part of Exact Sciences
Classification: Uncertain significance for RPGRIP1L-related condition. Last evaluated: 2026-08-10. Review status: criteria provided, single submitter. Criteria: ACMG Guidelines, 2015. Collection method: clinical testing. Allele origin: germline.
Comment: The RPGRIP1L c.2399A>C variant is predicted to result in the amino acid substitution p.Asn800Thr. To our knowledge, this variant has not been reported in the literature. This variant is reported in 0.040% of alleles in individuals of Latino descent in gnomAD. At this time, the clinical significance of this variant is uncertain due to the absence of conclusive functional and genetic evidence.

Blueprint Genetics
Classification: Likely benign. Last evaluated: 2024-08-19. Review status: criteria provided, single submitter. Criteria: ACMG Guidelines, 2015. Collection method: clinical testing. Allele origin: germline.

Ambry Genetics
Classification: Uncertain significance for Inborn genetic diseases. Last evaluated: 2024-06-10. Review status: criteria provided, single submitter. Criteria: Ambry Variant Classification Scheme 2023. Collection method: clinical testing. Allele origin: germline.

Fulgent Genetics
Classification: Uncertain significance for Joubert syndrome 7; Meckel syndrome, type 5; COACH syndrome 3. Last evaluated: 2024-05-20. Review status: criteria provided, single submitter. Criteria: ACMG Guidelines, 2015. Collection method: clinical testing. Allele origin: germline.

Labcorp Genetics (formerly Invitae), Labcorp
Classification: Uncertain significance for Joubert syndrome; Meckel-Gruber syndrome. Last evaluated: 2022-09-27. Review status: criteria provided, single submitter. Criteria: Invitae Variant Classification Sherloc (09022015). Collection method: clinical testing. Allele origin: germline.
Comment: This sequence change replaces asparagine, which is neutral and polar, with threonine, which is neutral and polar, at codon 800 of the RPGRIP1L protein (p.Asn800Thr). This variant is present in population databases (rs147734438, gnomAD 0.04%). This variant has not been reported in the literature in individuals affected with RPGRIP1L-related conditions. ClinVar contains an entry for this variant (Variation ID: 659168). Advanced modeling of protein sequence and biophysical properties (such as structural, functional, and spatial information, amino acid conservation, physicochemical variation, residue mobility, and thermodynamic stability) performed at Invitae indicates that this missense variant is not expected to disrupt RPGRIP1L protein function. In summary, the available evidence is currently insufficient to determine the role of this variant in disease. Therefore, it has been classified as a Variant of Uncertain Significance.

GeneDx
Classification: Uncertain significance. Last evaluated: 2021-11-02. Review status: criteria provided, single submitter. Criteria: GeneDx Variant Classification Process June 2021. Collection method: clinical testing. Allele origin: germline. Affected: yes.
Comment: In silico analysis supports that this missense variant does not alter protein structure/function; Has not been previously published as pathogenic or benign to our knowledge

Revvity Omics, Revvity
Classification: Uncertain significance. Last evaluated: 2021-08-04. Review status: criteria provided, single submitter. Criteria: ACMG Guidelines, 2015. Collection method: clinical testing. Allele origin: germline.

Illumina Laboratory Services, Illumina
Classification: Uncertain significance for Meckel syndrome, type 5. Last evaluated: 2018-01-13. Review status: criteria provided, single submitter. Criteria: ICSL Variant Classification Criteria 13 December 2019. Collection method: clinical testing. Allele origin: germline.

Illumina Laboratory Services, Illumina
Classification: Uncertain significance for Joubert syndrome 7. Last evaluated: 2018-01-13. Review status: criteria provided, single submitter. Criteria: ICSL Variant Classification Criteria 13 December 2019. Collection method: clinical testing. Allele origin: germline.

Illumina Laboratory Services, Illumina
Classification: Uncertain significance for Nephronophthisis 8. Last evaluated: 2018-01-13. Review status: criteria provided, single submitter. Criteria: ICSL Variant Classification Criteria 13 December 2019. Collection method: clinical testing. Allele origin: germline.

Natera, Inc.
Classification: Uncertain significance for Joubert syndrome. Last evaluated: 2020-02-03. Review status: no assertion criteria provided. Collection method: clinical testing. Allele origin: germline. Not counted in ClinVar's aggregate classification.